The following is an entry in ClinVar:

ClinVar aggregate classification (germline): Uncertain significance (1 of 4 stars; one submission).

Conditions:
Hereditary cancer-predisposing syndrome. Also called: Tumor predisposition; Hereditary Cancer Syndrome; Neoplastic Syndromes, Hereditary; Hereditary neoplastic syndrome. Identifiers: Orphanet 140162, MedGen C0027672, MeSH D009386, MONDO:0015356.

Submission:

Color Diagnostics, LLC DBA Color Health
Classification: Uncertain significance for Hereditary cancer-predisposing syndrome. Last evaluated: 2021-06-29. Review status: criteria provided, single submitter. Criteria: ACMG Guidelines, 2015. Collection method: clinical testing. Allele origin: germline.
Comment: This variant causes an A to T nucleotide substitution at the +3 position of intron 2 of the MSH6 gene. To our knowledge, functional studies have not been reported for this variant. This variant has not been reported in individuals affected with hereditary cancer in the literature. This variant has not been identified in the general population by the Genome Aggregation Database (gnomAD). The available evidence is insufficient to determine the role of this variant in disease conclusively. Therefore, this variant is classified as a Variant of Uncertain Significance.

NM_000179.3(MSH6):c.457+3A>T

Gene: MSH6 (mutS homolog 6; plus strand). Cytogenetic location: 2p16.3.
Variant type: single nucleotide variant.
Coding change: c.457+3A>T on transcript NM_000179.3 (MANE Select); 3 bases into the intron after coding-DNA position 457, A replaced by T.
Molecular consequence: intron variant.
Genome position (GRCh38, 1-based): chr2:47,791,126, A>T. VCF-style: chr2-47791126-A-T. GRCh37 (hg19) VCF-style: chr2-48018265-A-T.
Other names: c.-280+3A>T (NM_001281493.2); c.238-7485A>T (NM_001281492.2); c.-446+3A>T (NM_001281494.2).
Identifiers: ClinVar variation 1332257 (VCV001332257.2), dbSNP rs1060502921, ClinGen allele CA2573051966.